The following is an entry in ClinVar:

ClinVar aggregate classification (germline): Uncertain significance (1 of 4 stars; one submission).

Allele frequency attached by ClinVar (database versions not stated): TOPMed 0.00003; gnomAD 0.00004 and 0.00005.
gnomAD v4.1: 77 of 1,614,152 alleles (0.0048%); highest among the groups gnomAD compares: African/African-American, 0.013%; no homozygotes.

Submission:

Labcorp Genetics (formerly Invitae), Labcorp
Classification: Uncertain significance. Last evaluated: 2025-10-02. Review status: criteria provided, single submitter. Criteria: Invitae Variant Classification Sherloc (09022015). Collection method: clinical testing. Allele origin: germline.
Comment: This sequence change replaces threonine, which is neutral and polar, with methionine, which is neutral and non-polar, at codon 252 of the EMC1 protein (p.Thr252Met). This variant is present in population databases (rs558157154, gnomAD 0.01%). This variant has not been reported in the literature in individuals affected with EMC1-related conditions. ClinVar contains an entry for this variant (Variation ID: 1009816). Invitae Evidence Modeling of protein sequence and biophysical properties (such as structural, functional, and spatial information, amino acid conservation, physicochemical variation, residue mobility, and thermodynamic stability) has been performed for this missense variant. However, the output from this modeling did not meet the statistical confidence thresholds required to predict the impact of this variant on EMC1 protein function. In summary, the available evidence is currently insufficient to determine the role of this variant in disease. Therefore, it has been classified as a Variant of Uncertain Significance.

NM_015047.3(EMC1):c.755C>T (p.Thr252Met)

Genes: EMC1 (ER membrane protein complex subunit 1; minus strand), EMC1-AS1 (EMC1 antisense RNA 1; plus strand). Cytogenetic location: 1p36.13.
Variant type: single nucleotide variant.
Coding change: c.755C>T on transcript NM_015047.3 (MANE Select); coding-DNA position 755, C replaced by T.
Protein change: p.Thr252Met; replaces threonine 252 with methionine.
Molecular consequence: missense variant. On other transcripts: non-coding transcript variant (1).
Genome position (GRCh38, 1-based): chr1:19,240,328, G>A on the plus strand (C>T on the coding strand, the complement: EMC1 is on the minus strand). VCF-style: chr1-19240328-G-A. GRCh37 (hg19) VCF-style: chr1-19566822-G-A.
Other names: c.755C>T, p.Thr252Met (NM_001271427.2, NM_001271428.2, NM_001375820.1 and 1 more transcripts); c.689C>T, p.Thr230Met (NM_001271429.2); short protein forms T230M, T252M.
Identifiers: ClinVar variation 1009816 (VCV001009816.6), dbSNP rs558157154, ClinGen allele CA652806.
Genomic context (GRCh38, chr1:19,240,328, plus strand): 5'-GGCCAGAAGAAGCAGTGGCAGCCTCTCACCTGCAGTGGGATCTGTCTCAACTCCCATTCC[G>A]TCTCCAGAGCCAAAGTTTGGAGGGAACGTGAGCTCGGGTCAGGACACACCAGGACAGCCT-3'
Protein context (NP_055862.1, residues 242-262): SRSLQTLALE[Thr252Met]EWELRQIPLQ